The following is an entry in ClinVar:

NM_006715.4(MAN2C1):c.600+1del

Gene: MAN2C1 (mannosidase alpha class 2C member 1; minus strand). Cytogenetic location: 15q24.2.
Variant type: Deletion.
Coding change: c.600+1del on transcript NM_006715.4 (MANE Select); the canonical splice donor site of the intron after coding-DNA position 600, one base deleted (G; older notation c.600+1delG).
Molecular consequence: splice donor variant.
Genome position (GRCh38, 1-based): chr15:75,364,487, C deleted on the plus strand (G on the coding strand, the reverse complement: MAN2C1 is on the minus strand); the first of 2 consecutive C bases (chr15:75,364,487-75,364,488); deleting either gives the same sequence. VCF-style (leftmost placement, unchanged base first): chr15-75364486-AC-A. GRCh37 (hg19) VCF-style: chr15-75656827-AC-A.
Other names: c.600+1del (NM_001256496.2, NM_001256495.2, NM_001256494.2); c.600+1delG (NM_006715.4).
Identifiers: ClinVar variation 3375098 (VCV003375098.4).

ClinVar aggregate classification (germline): Likely pathogenic. Review status: criteria provided, multiple submitters, no conflicts (2 of 4 stars). 3 submissions from 3 submitters: Likely pathogenic (3). Last evaluated 2026-08-06.

Conditions:
Congenital disorder of deglycosylation 2 (CDDG2). Identifiers: MedGen C5676931, MONDO:0030770, OMIM 619775.

Submissions (3):

OLLIN Analises Genomicas, OLLIN
Classification: Likely pathogenic for Congenital disorder of deglycosylation 2. Last evaluated: 2026-08-06. Review status: criteria provided, single submitter. Criteria: ACMG Guidelines 2015 PMID 25741868. Collection method: clinical testing. Allele origin: germline.
Comment: This variant, located at the canonical splicing site (splice donor), has been observed in gnomAD with an allele frequency of 0.0084%, but has not been reported in ClinVar or identified in the literature. This variant is predicted to disrupt a canonical splice site, potentially leading to exon skipping, mRNA degradation via nonsense-mediated decay (NMD), or production of a truncated protein. According to the currently available evidence, this variant has been classified as likely pathogenic (PVS1, PM2_P).

Dasa
Classification: Likely pathogenic. Last evaluated: 2025-08-29. Review status: criteria provided, single submitter. Criteria: DASA Assertion Criteria. Collection method: clinical testing. Allele origin: germline.
Comment: NM_006715.4(MAN2C1):c.600+1del affects a canonical splice site and is predicted to disrupt normal RNA splicing. Loss of function is an established disease mechanism for MAN2C1-associated disorders. Also, this variant is rare in population databases. Based on the currently available evidence, this variant is classified as likely pathogenic.

Women's Health and Genetics/Laboratory Corporation of America, LabCorp
Classification: Likely pathogenic for Congenital disorder of deglycosylation 2. Last evaluated: 2024-09-03. Review status: criteria provided, single submitter. Criteria: LabCorp Variant Classification Summary - May 2015. Collection method: clinical testing. Allele origin: germline.
Comment: Variant summary: MAN2C1 c.600+1delG is located in a canonical splice-site and is predicted to affect mRNA splicing resulting in a significantly altered protein due to either exon skipping, shortening, or inclusion of intronic material. Variants that disrupt the consensus splice site are a relatively common cause of aberrant splicing and loss of MAN2C1 function. Several computational tools predict a significant impact on normal splicing: Four predict the variant abolishes a 5' splicing donor site. However, these predictions have yet to be confirmed by functional studies. The variant allele was found at a frequency of 0.00012 in 200596 control chromosomes. This frequency is not significantly higher than estimated for a pathogenic variant in MAN2C1 causing Congenital Disorder Of Deglycosylation 2, allowing no conclusion about variant significance. To our knowledge, no occurrence of c.600+1delG in individuals affected with Congenital Disorder Of Deglycosylation 2 and no experimental evidence demonstrating its impact on protein function have been reported. No submitters have cited clinical-significance assessments for this variant to ClinVar. Based on the evidence outlined above, the variant was classified as likely pathogenic.